The following is an entry in ClinVar:

NM_003482.4(KMT2D):c.2478C>G (p.Pro826=)

Gene: KMT2D (lysine methyltransferase 2D; minus strand). Cytogenetic location: 12q13.12.
Variant type: single nucleotide variant.
Coding change: c.2478C>G on transcript NM_003482.4 (MANE Select); coding-DNA position 2478, C replaced by G.
Protein change: p.Pro826=; no amino-acid change (proline 826 retained).
Molecular consequence: synonymous variant.
Genome position (GRCh38, 1-based): chr12:49,051,205, G>C on the plus strand (C>G on the coding strand, the complement: KMT2D is on the minus strand). VCF-style: chr12-49051205-G-C. GRCh37 (hg19) VCF-style: chr12-49444988-G-C.
Identifiers: ClinVar variation 2072506 (VCV002072506.5), dbSNP rs772355587, ClinGen allele CA6548251.

ClinVar aggregate classification (germline): Likely benign. Review status: criteria provided, multiple submitters, no conflicts (2 of 4 stars). 2 submissions from 2 submitters: Likely benign (2). Last evaluated 2025-12-31.

Conditions:
Kabuki syndrome. Also called: Kabuki make-up syndrome; NIIKAWA-KUROKI SYNDROME. Identifiers: Orphanet 2322, MedGen C0796004, MONDO:0016512.
KMT2D-related disorder. Also called: KMT2D-Related Disorders.

Allele frequency attached by ClinVar (database versions not stated): ExAC 0.00006.
gnomAD v4.1: 28 of 1,500,458 alleles (0.0019%); highest among the groups gnomAD compares: African/African-American, 0.03%; no homozygotes.

Submissions (2):

Labcorp Genetics (formerly Invitae), Labcorp
Classification: Likely benign for Kabuki syndrome. Last evaluated: 2025-12-31. Review status: criteria provided, single submitter. Criteria: Invitae Variant Classification Sherloc (09022015). Collection method: clinical testing. Allele origin: germline.

PreventionGenetics, part of Exact Sciences
Classification: Likely benign for KMT2D-related condition. Last evaluated: 2025-04-02. Review status: criteria provided, single submitter. Criteria: ACMG Guidelines, 2015. Collection method: clinical testing. Allele origin: germline.
Comment: This variant is classified as likely benign based on ACMG/AMP sequence variant interpretation guidelines (Richards et al. 2015 PMID: 25741868, with internal and published modifications).